The following is an entry in ClinVar:

NM_015506.3(MMACHC):c.435_436del (p.Ser146fs)

Gene: MMACHC (metabolism of cobalamin associated C; plus strand). Cytogenetic location: 1p34.1.
Variant type: Microsatellite.
Coding change: c.435_436del on transcript NM_015506.3 (MANE Select); coding-DNA positions 435 to 436, 2 bases deleted (AT; older notation c.435_436delAT).
Protein change: p.Ser146fs; shifts the reading frame from serine 146.
Molecular consequence: frameshift variant.
Genome position (GRCh38, 1-based): chr1:45,508,801-45,508,802, AT deleted; deleting any 2 consecutive bases within chr1:45,508,799-45,508,802 gives the same sequence; the c. name uses the placement nearest the transcript's 3' end. VCF-style (leftmost placement, unchanged base first): chr1-45508798-CAT-C. GRCh37 (hg19) VCF-style: chr1-45974470-CAT-C.
Other names: c.264_265del, p.Ser89fs (NM_001330540.2); c.435_436delAT (NM_015506.2); short protein forms S146fs, S89fs.
Identifiers: ClinVar variation 1455466 (VCV001455466.13), dbSNP rs2149323799, ClinGen allele CA2574352270.

ClinVar aggregate classification (germline): Pathogenic/Likely pathogenic. Review status: criteria provided, multiple submitters, no conflicts (2 of 4 stars). 4 submissions from 4 submitters: Pathogenic (2); Likely pathogenic (2). Last evaluated 2025-10-13.

Conditions:
MMACHC-related disorder. Also called: MMACHC-related condition.
Cobalamin C disease. Also called: Methylmalonic aciduria with homocystinuria cblC type; Cobalamin-C methylmalonic acidemia and homocystinuria; Methylmalonic acidemia and homocystinuria cblC type; Methylmalonic aciduria and homocystinuria, Vitamin B12-responsive; Vitamin B12 metabolic defect with combined deficiency of methylmalonyl-CoA mutase and homocysteine:methyltetrahydrofolate methyltransferase; methylmalonic aciduria and homocystinuria type cblC. Identifiers: Orphanet 26, Orphanet 79282, MedGen C1848561, MONDO:0010184, OMIM 277400.

Submissions (4):

Natera, Inc.
Classification: Likely pathogenic for Methylmalonic aciduria and homocystinuria cblC type. Last evaluated: 2025-10-13. Review status: criteria provided, single submitter. Criteria: Natera Variant Classification Schema (03/2026). Collection method: clinical testing. Allele origin: germline.
Comment: The c.435_436delAT variant in MMACHC is a frameshift variant predicted to shift the reading frame beginning at codon 146 and leads to a stop codon 35 codons downstream. This variant is expected to result in nonsense mediated decay, truncation, or a dysfunctional protein product. This variant is rare in the general population with a frequency below the threshold expected for the associated phenotype(s). This variant has been observed in one or more individuals affected with the associated recessive disease, as either homozygous or compound heterozygous with a second variant (PMID: 16311595, 37604084). Given the available evidence, this variant is classified as Likely Pathogenic.

Labcorp Genetics (formerly Invitae), Labcorp
Classification: Pathogenic for Cobalamin C disease. Last evaluated: 2025-09-08. Review status: criteria provided, single submitter. Criteria: Invitae Variant Classification Sherloc (09022015). Collection method: clinical testing. Allele origin: germline.
Comment: This sequence change creates a premature translational stop signal (p.Ser146Argfs*35) in the MMACHC gene. While this is not anticipated to result in nonsense mediated decay, it is expected to disrupt the last 137 amino acid(s) of the MMACHC protein. This variant is not present in population databases (gnomAD no frequency). This premature translational stop signal has been observed in individual(s) with cobalamin C deficiency (PMID: 16311595). This variant disrupts a region of the MMACHC protein in which other variant(s) (p.Tyr222*) have been determined to be pathogenic (PMID: 16311595, 19767224, 30157807). This suggests that this is a clinically significant region of the protein, and that variants that disrupt it are likely to be disease-causing. For these reasons, this variant has been classified as Pathogenic.

Fulgent Genetics
Classification: Pathogenic for Cobalamin C disease. Last evaluated: 2024-06-17. Review status: criteria provided, single submitter. Criteria: ACMG Guidelines, 2015. Collection method: clinical testing. Allele origin: germline.

Blueprint Genetics
Classification: Likely pathogenic for MMACHC-related disorders. Last evaluated: 2021-10-19. Review status: criteria provided, single submitter. Criteria: ACMG Guidelines, 2015. Collection method: clinical testing. Allele origin: germline. Affected: yes. Observed: 1 variant allele.

Literature cited by the submitters: PubMed 16311595 (cited by Natera, Inc. and Labcorp Genetics (formerly Invitae), Labcorp); PubMed 37604084 (cited by Natera, Inc.); PubMed 19767224 (cited by Labcorp Genetics (formerly Invitae), Labcorp); PubMed 30157807 (cited by Labcorp Genetics (formerly Invitae), Labcorp).